The following is an entry in ClinVar:

ClinVar aggregate classification (germline): Pathogenic/Likely pathogenic. Review status: criteria provided, multiple submitters, no conflicts (2 of 4 stars). 3 submissions from 2 submitters: Pathogenic (1); Likely pathogenic (2). Last evaluated 2024-10-14.

Conditions:
Retinal dystrophy. Also called: Inherited retinal dystrophy. Identifiers: Orphanet 71862, MedGen C0854723, MeSH D058499, MONDO:0019118, HP:0000556.
Severe early-childhood-onset retinal dystrophy (STGD1). Also called: Stargardt macular dystrophy; Juvenile onset macular degeneration; Stargardt disease 1; STGD; MACULAR DYSTROPHY WITH FLECKS, TYPE 1. Identifiers: Orphanet 364055, Orphanet 827, MedGen C1855465, MeSH D000080362, MONDO:0009549, OMIM 248200.

Submissions (3):

Labcorp Genetics (formerly Invitae), Labcorp
Classification: Pathogenic. Last evaluated: 2024-10-14. Review status: criteria provided, single submitter. Criteria: Invitae Variant Classification Sherloc (09022015). Collection method: clinical testing. Allele origin: germline.
Comment: This sequence change replaces glycine, which is neutral and non-polar, with arginine, which is basic and polar, at codon 631 of the ABCA4 protein (p.Gly631Arg). This variant is not present in population databases (gnomAD no frequency). This missense change has been observed in individual(s) with clinical features of Stargardt disease (PMID: 28118664; internal data). In at least one individual the data is consistent with being in trans (on the opposite chromosome) from a pathogenic variant. ClinVar contains an entry for this variant (Variation ID: 236088). Invitae Evidence Modeling of protein sequence and biophysical properties (such as structural, functional, and spatial information, amino acid conservation, physicochemical variation, residue mobility, and thermodynamic stability) indicates that this missense variant is expected to disrupt ABCA4 protein function with a positive predictive value of 95%. This variant disrupts the p.Gly631 amino acid residue in ABCA4. Other variant(s) that disrupt this residue have been determined to be pathogenic (PMID: 31543898, 32845068, 33301772). This suggests that this residue is clinically significant, and that variants that disrupt this residue are likely to be disease-causing. For these reasons, this variant has been classified as Pathogenic.

Institute of Human Genetics, Univ. Regensburg, Univ. Regensburg
Classification: Likely pathogenic for Severe early-childhood-onset retinal dystrophy. Last evaluated: 2016-01-01. Review status: criteria provided, single submitter. Criteria: Schulz et al. (Invest Ophthalmol Vis Sci. 2017). Collection method: clinical testing. Allele origin: germline. Affected: yes. Observed: 1 heterozygote.

Institute of Human Genetics, Univ. Regensburg, Univ. Regensburg
Classification: Likely pathogenic for Retinal dystrophy. Last evaluated: 2013-01-01. Review status: criteria provided, single submitter. Criteria: ACMG Guidelines, 2015. Collection method: clinical testing. Allele origin: germline. Affected: yes.

Literature cited by the submitters: PubMed 28118664 (cited by Labcorp Genetics (formerly Invitae), Labcorp and Institute of Human Genetics, Univ. Regensburg, Univ. Regensburg); PubMed 31543898 (cited by Labcorp Genetics (formerly Invitae), Labcorp); PubMed 32845068 (cited by Labcorp Genetics (formerly Invitae), Labcorp); PubMed 33301772 (cited by Labcorp Genetics (formerly Invitae), Labcorp); PubMed 2955595 (cited by Institute of Human Genetics, Univ. Regensburg, Univ. Regensburg).

NM_000350.3(ABCA4):c.1891G>A (p.Gly631Arg)

Gene: ABCA4 (ATP binding cassette subfamily A member 4; minus strand). Cytogenetic location: 1p22.1.
Variant type: single nucleotide variant.
Coding change: c.1891G>A on transcript NM_000350.3 (MANE Select); coding-DNA position 1891, G replaced by A.
Protein change: p.Gly631Arg; replaces glycine 631 with arginine.
Molecular consequence: missense variant.
Genome position (GRCh38, 1-based): chr1:94,062,623, C>T on the plus strand (G>A on the coding strand, the complement: ABCA4 is on the minus strand). VCF-style: chr1-94062623-C-T. GRCh37 (hg19) VCF-style: chr1-94528179-C-T.
Other names: c.1891G>A, p.Gly631Arg (NM_001425324.1); short protein forms G631R.
Identifiers: ClinVar variation 236088 (VCV000236088.5), dbSNP rs886044730, ClinGen allele CA10602445.
Genomic context (GRCh38, chr1:94,062,623, plus strand): 5'-AACTTCAGACTCACGAATCGTCCACGAAGCAGGGGTAGGGCATCTGCTGGAGGTAGATTC[C>T]AACTGGAGCCTCCGCCTGCACCTGGCTCCTTGTGATCCCCTGTTCAACCATGTCCTGCAG-3'
Protein context (NP_000341.2, residues 621-641): RSQVQAEAPV[Gly631Arg]IYLQQMPYPC